The following is an entry in ClinVar:

NM_001136271.3(NKX2-6):c.786C>G (p.Gly262=)

Gene: NKX2-6 (NK2 homeobox 6; minus strand). Cytogenetic location: 8p21.2.
Variant type: single nucleotide variant.
Coding change: c.786C>G on transcript NM_001136271.3 (MANE Select); coding-DNA position 786, C replaced by G.
Protein change: p.Gly262=; no amino-acid change (glycine 262 retained).
Molecular consequence: synonymous variant.
Genome position (GRCh38, 1-based): chr8:23,702,571, G>C on the plus strand (C>G on the coding strand, the complement: NKX2-6 is on the minus strand). VCF-style: chr8-23702571-G-C. GRCh37 (hg19) VCF-style: chr8-23560084-G-C.
Identifiers: ClinVar variation 466319 (VCV000466319.18), dbSNP rs61749320, ClinGen allele CA4677944.
Genomic context (GRCh38, chr8:23,702,571, plus strand): 5'-GCCACCGTGTCCGAAGCCCGCGCTGGCCAGTGGTGTGTGTGGCGCAGGACCCGAGGGCGC[G>C]CCCGCGTAGCAGGTGCCGTAGCCTGCGCCGTAGGGTGCTCCGCTGTAGCCTCCGTAGCAA-3'
Protein context (NP_001129743.2, residues 252-272): YGAGYGTCYA[Gly262=]APSGPAPHTP

ClinVar aggregate classification (germline): Benign. Review status: criteria provided, multiple submitters, no conflicts (2 of 4 stars). 5 submissions from 5 submitters: Benign (4). 1 of the submissions does not count toward it. Last evaluated 2026-02-02.

Conditions:
NKX2-6-related disorder. Also called: NKX2-6-related condition.
Conotruncal heart malformations (CTHM). Also called: Conotruncal heart malformations, variable. Identifiers: Orphanet 2445, Orphanet 3384, Orphanet 3426, MedGen C1857586, MONDO:0016581, OMIM 217095.

Allele frequency attached by ClinVar (database versions not stated): ExAC 0.00592; ESP Exome Variant Server 0.01449; 1000 Genomes Project 0.01637; 1000 Genomes Project 30x 0.01718; gnomAD 0.01783; TOPMed 0.01892.
gnomAD v4.1: 5,082 of 1,543,934 alleles (0.33%); highest among the groups gnomAD compares: African/African-American, 6.3%; 156 homozygotes.

Submissions (5):

Labcorp Genetics (formerly Invitae), Labcorp
Classification: Benign for Conotruncal heart malformations. Last evaluated: 2026-02-02. Review status: criteria provided, single submitter. Criteria: Invitae Variant Classification Sherloc (09022015). Collection method: clinical testing. Allele origin: germline.

Women's Health and Genetics/Laboratory Corporation of America, LabCorp
Classification: Benign. Last evaluated: 2023-12-26. Review status: criteria provided, single submitter. Criteria: LabCorp Variant Classification Summary - May 2015. Collection method: clinical testing. Allele origin: germline.

GeneDx
Classification: Benign. Last evaluated: 2020-09-15. Review status: criteria provided, single submitter. Criteria: GeneDx Variant Classification Process June 2021. Collection method: clinical testing. Allele origin: germline. Affected: yes.

Breakthrough Genomics
Classification: Benign. Review status: criteria provided, single submitter. Criteria: ACMG Guidelines, 2015. Collection method: not provided. Allele origin: germline. Inheritance: Unknown mechanism. Affected: yes.

PreventionGenetics, part of Exact Sciences
Classification: Benign for NKX2-6-related condition. Last evaluated: 2019-09-10. Review status: no assertion criteria provided. Collection method: clinical testing. Allele origin: germline. Not counted in ClinVar's aggregate classification.
Comment: This variant is classified as benign based on ACMG/AMP sequence variant interpretation guidelines (Richards et al. 2015 PMID: 25741868, with internal and published modifications).